The following is an entry in ClinVar:

ClinVar aggregate classification (germline): Uncertain significance. Review status: criteria provided, multiple submitters, no conflicts (2 of 4 stars). 2 submissions from 2 submitters: Uncertain significance (2). Last evaluated 2025-11-01.

Allele frequency attached by ClinVar (database versions not stated): gnomAD 0.00001; gnomAD exomes 0.00002; TOPMed below 0.00001.
gnomAD v4.1: 25 of 1,613,828 alleles (0.0015%); highest among the groups gnomAD compares: Non-Finnish European, 0.002%; no homozygotes.

Submissions (2):

Labcorp Genetics (formerly Invitae), Labcorp
Classification: Uncertain significance. Last evaluated: 2025-11-01. Review status: criteria provided, single submitter. Criteria: Invitae Variant Classification Sherloc (09022015). Collection method: clinical testing. Allele origin: germline.
Comment: This sequence change replaces aspartic acid, which is acidic and polar, with glycine, which is neutral and non-polar, at codon 700 of the CEP97 protein (p.Asp700Gly). This variant is present in population databases (rs770765771, gnomAD 0.007%). This variant has not been reported in the literature in individuals affected with CEP97-related conditions. ClinVar contains an entry for this variant (Variation ID: 2890682). Invitae Evidence Modeling of protein sequence and biophysical properties (such as structural, functional, and spatial information, amino acid conservation, physicochemical variation, residue mobility, and thermodynamic stability) indicates that this missense variant is expected to disrupt CEP97 protein function with a positive predictive value of 80%. In summary, the available evidence is currently insufficient to determine the role of this variant in disease. Therefore, it has been classified as a Variant of Uncertain Significance.

Ambry Genetics
Classification: Uncertain significance. Last evaluated: 2024-12-03. Review status: criteria provided, single submitter. Criteria: Ambry Variant Classification Scheme 2023. Collection method: clinical testing. Allele origin: germline.

NM_024548.4(CEP97):c.2099A>G (p.Asp700Gly)

Gene: CEP97 (centrosomal protein 97; plus strand). Cytogenetic location: 3q12.3.
Variant type: single nucleotide variant.
Coding change: c.2099A>G on transcript NM_024548.4 (MANE Select); coding-DNA position 2099, A replaced by G.
Protein change: p.Asp700Gly; replaces aspartic acid 700 with glycine.
Molecular consequence: missense variant.
Genome position (GRCh38, 1-based): chr3:101,765,052, A>G. VCF-style: chr3-101765052-A-G. GRCh37 (hg19) VCF-style: chr3-101483896-A-G.
Other names: c.2099A>G (NM_024548.2); c.1922A>G, p.Asp641Gly (NM_001303401.2); c.1997A>G, p.Asp666Gly (NM_001410784.1); c.1820A>G, p.Asp607Gly (NM_001410785.1); short protein forms D666G, D607G, D641G, D700G.
Identifiers: ClinVar variation 2890682 (VCV002890682.4), dbSNP rs770765771, ClinGen allele CA79771909.
Genomic context (GRCh38, chr3:101,765,052, plus strand): 5'-CTGATTGGTTTATTGCTTCTGATGTAGCTCCTCAAGAGAAATCATTACCAGAATTTCCAG[A>G]CTCTGGTTTTCATTCCTCTCTAACAGAACAAGTTCATTCATTGCAGCATTCTTTGGATTT-3'
Protein context (NP_078824.2, residues 690-710): PQEKSLPEFP[Asp700Gly]SGFHSSLTEQ